The following is an entry in ClinVar:

NM_006015.6(ARID1A):c.249CGG[5] (p.Gly87_Ala88insGly)

Gene: ARID1A (AT-rich interaction domain 1A; plus strand). Cytogenetic location: 1p36.11.
Variant type: Microsatellite.
Coding change: c.249CGG[5] on transcript NM_006015.6 (MANE Select); five copies in a row of the 3-base unit CGG starting at c.249; the reference has four copies in a row; one copy, 3 bases duplicated.
Protein change: p.Gly87_Ala88insGly.
Molecular consequence: inframe insertion. On other transcripts: inframe indel (1).
Genome position (GRCh38, 1-based): chr1:26,696,661-26,696,663, CGG duplicated; duplicating any 3 consecutive bases within chr1:26,696,650-26,696,663 gives the same sequence; the position shown is the placement nearest the transcript's 3' end. VCF-style (leftmost placement, unchanged base first): chr1-26696649-T-TGGC. GRCh37 (hg19) VCF-style: chr1-27023140-T-TGGC.
Other names: c.249_251CGG[5], p.Gly87_Ala88insGly (NM_006015.4); c.249CGG[5], p.Gly87_Ala88insGly (NM_139135.4); c.258_260dupCGG (NM_006015.4).
Identifiers: ClinVar variation 2174252 (VCV002174252.7), dbSNP rs1015322780, ClinGen allele CA521909948.

ClinVar aggregate classification (germline): Conflicting classifications of pathogenicity. Review status: criteria provided, conflicting classifications (1 of 4 stars). 2 submissions from 2 submitters: Uncertain significance (1); Likely benign (1). Last evaluated 2025-06-13.

Submissions (2):

Labcorp Genetics (formerly Invitae), Labcorp
Classification: Likely benign. Last evaluated: 2025-06-13. Review status: criteria provided, single submitter. Criteria: Invitae Variant Classification Sherloc (09022015). Collection method: clinical testing. Allele origin: germline.

Women's Health and Genetics/Laboratory Corporation of America, LabCorp
Classification: Uncertain significance. Last evaluated: 2023-01-05. Review status: criteria provided, single submitter. Criteria: LabCorp Variant Classification Summary - May 2015. Collection method: clinical testing. Allele origin: germline.
Comment: Variant summary: ARID1A c.258_260dupCGG (p.Gly87dup) results in an in-frame duplication that is predicted to duplicate one amino acid into the encoded protein. Three of three in-silico tools predict a damaging effect of the variant on protein function. The variant was absent in 5474 control chromosomes. The available data on variant occurrences in the general population are insufficient to allow any conclusion about variant significance. To our knowledge, no occurrence of c.258_260dupCGG in individuals affected with Mental Retardation, Autosomal Dominant 14 and no experimental evidence demonstrating its impact on protein function have been reported. No clinical diagnostic laboratories have submitted clinical-significance assessments for this variant to ClinVar after 2014. Based on the evidence outlined above, the variant was classified as uncertain significance.